The following is an entry in ClinVar:

ClinVar aggregate classification (germline): Uncertain significance. Review status: criteria provided, multiple submitters, no conflicts (2 of 4 stars). 2 submissions from 2 submitters: Uncertain significance (2). Last evaluated 2024-08-22.

Conditions:
Gorlin syndrome. Also called: Basal cell nevus syndrome; Nevoid Basal Cell Carcinoma Syndrome. Identifiers: Orphanet 377, MedGen C0004779, MONDO:0007187.
Medulloblastoma (MDB). Also called: MEDULLOBLASTOMA PREDISPOSITION SYNDROME; Medulloblastoma, somatic. Identifiers: Orphanet 616, MedGen C0025149, MeSH D008527, MONDO:0007959, OMIM 155255, HP:0002885.
Hereditary cancer-predisposing syndrome. Also called: Tumor predisposition; Hereditary neoplastic syndrome; Neoplastic Syndromes, Hereditary; Hereditary Cancer Syndrome. Identifiers: Orphanet 140162, MedGen C0027672, MeSH D009386, MONDO:0015356.

Allele frequency attached by ClinVar (database versions not stated): gnomAD exomes below 0.00001; TOPMed below 0.00001; gnomAD 0.00001.
gnomAD v4.1: 3 of 1,613,904 alleles (0.00019%); highest among the groups gnomAD compares: South Asian, 0.0022%; no homozygotes.

Submissions (2):

Ambry Genetics
Classification: Uncertain significance for Hereditary cancer-predisposing syndrome. Last evaluated: 2024-08-22. Review status: criteria provided, single submitter. Criteria: Ambry Variant Classification Scheme 2023. Collection method: clinical testing. Allele origin: germline.
Comment: The p.P282H variant (also known as c.845C>A), located in coding exon 7 of the SUFU gene, results from a C to A substitution at nucleotide position 845. The proline at codon 282 is replaced by histidine, an amino acid with similar properties. This amino acid position is conserved. In addition, the in silico prediction for this alteration is inconclusive. Based on the available evidence, the clinical significance of this variant remains unclear.

Labcorp Genetics (formerly Invitae), Labcorp
Classification: Uncertain significance for Gorlin syndrome; Medulloblastoma. Last evaluated: 2021-09-19. Review status: criteria provided, single submitter. Criteria: Invitae Variant Classification Sherloc (09022015). Collection method: clinical testing. Allele origin: germline.
Comment: This sequence change replaces proline with histidine at codon 282 of the SUFU protein (p.Pro282His). The proline residue is highly conserved and there is a moderate physicochemical difference between proline and histidine. This variant is not present in population databases (ExAC no frequency). This variant has not been reported in the literature in individuals affected with SUFU-related conditions. Algorithms developed to predict the effect of missense changes on protein structure and function are either unavailable or do not agree on the potential impact of this missense change (SIFT: "Deleterious"; PolyPhen-2: "Possibly Damaging"; Align-GVGD: "Class C0"). In summary, the available evidence is currently insufficient to determine the role of this variant in disease. Therefore, it has been classified as a Variant of Uncertain Significance.

NM_016169.4(SUFU):c.845C>A (p.Pro282His)

Gene: SUFU (SUFU negative regulator of hedgehog signaling; plus strand). Cytogenetic location: 10q24.32.
Variant type: single nucleotide variant.
Coding change: c.845C>A on transcript NM_016169.4 (MANE Select); coding-DNA position 845, C replaced by A.
Protein change: p.Pro282His; replaces proline 282 with histidine.
Molecular consequence: missense variant.
Genome position (GRCh38, 1-based): chr10:102,597,228, C>A. VCF-style: chr10-102597228-C-A. GRCh37 (hg19) VCF-style: chr10-104356985-C-A.
Other names: c.845C>A (NM_016169.3); c.845C>A, p.Pro282His (NM_001178133.2); short protein forms P282H.
Identifiers: ClinVar variation 1383262 (VCV001383262.7), dbSNP rs2063472026, ClinGen allele CA377910600.
Genomic context (GRCh38, chr10:102,597,228, plus strand): 5'-ATGGCTCCAACCTGAGTGGTGTCAGTGCCAAGTGTGCCTGGGATGACCTGAGCCGGCCCC[C>A]CGAGGATGACGAGGACAGCCGGAGCATCTGCATCGGCACACAGCCCCGGCGACTCTCTGG-3'
Protein context (NP_057253.2, residues 272-292): KCAWDDLSRP[Pro282His]EDDEDSRSIC